The following is an entry in ClinVar:

NM_024426.6(WT1):c.1088C>G (p.Thr363Arg)

Gene: WT1 (WT1 transcription factor; minus strand). Cytogenetic location: 11p13.
Variant type: single nucleotide variant.
Coding change: c.1088C>G on transcript NM_024426.6 (MANE Select); coding-DNA position 1088, C replaced by G.
Protein change: p.Thr363Arg; replaces threonine 363 with arginine.
Molecular consequence: missense variant. On other transcripts: 5 prime UTR variant (1), non-coding transcript variant (1).
Genome position (GRCh38, 1-based): chr11:32,399,973, G>C on the plus strand (C>G on the coding strand, the complement: WT1 is on the minus strand). VCF-style: chr11-32399973-G-C. GRCh37 (hg19) VCF-style: chr11-32421519-G-C.
Other names: c.1037C>G, p.Thr346Arg (NM_000378.6, NM_001407045.1, NM_001407048.1 and 1 more transcripts); c.437C>G, p.Thr146Arg (NM_001198551.2); c.386C>G, p.Thr129Arg (NM_001198552.2); c.-101C>G (NM_001367854.1); c.1082C>G, p.Thr361Arg (NM_001407044.1); c.1088C>G, p.Thr363Arg (NM_001407046.1, NM_024424.5); c.965C>G, p.Thr322Arg (NM_001407047.1); c.914C>G, p.Thr305Arg (NM_001407050.1); and 2 more; short protein forms T129R, T146R, T346R, T363R, T358R, T109R, T305R, T361R.
Identifiers: ClinVar variation 1388957 (VCV001388957.9), dbSNP rs1852098454, ClinGen allele CA379960306.

ClinVar aggregate classification (germline): Uncertain significance (1 of 4 stars; one submission).

Conditions:
Wilms tumor 1 (WT1). Also called: Wilms tumor, somatic. Identifiers: Orphanet 654, MedGen CN033288, MONDO:0008679, OMIM 194070.
11p partial monosomy syndrome (WAGR). Also called: WAGR Complex; WAGR Spectrum Disorder; CHROMOSOME 11p13 DELETION SYNDROME; WAGR syndrome. Identifiers: Orphanet 893, MedGen C0206115, MONDO:0008681, OMIM 194072.
Drash syndrome (DDS). Also called: NEPHROPATHY, WILMS TUMOR, AND GENITAL ANOMALIES; WILMS TUMOR AND PSEUDO- OR TRUE HERMAPHRODITISM. Identifiers: Orphanet 220, MedGen C0950121, MONDO:0008682, OMIM 194080.
Frasier syndrome. Identifiers: Orphanet 347, MedGen C0950122, MeSH D052159, MONDO:0007635, OMIM 136680.

Submission:

Labcorp Genetics (formerly Invitae), Labcorp
Classification: Uncertain significance for Wilms tumor 1; Drash syndrome; 11p partial monosomy syndrome; Frasier syndrome. Last evaluated: 2021-04-19. Review status: criteria provided, single submitter. Criteria: Invitae Variant Classification Sherloc (09022015). Collection method: clinical testing. Allele origin: germline.
Comment: This sequence change replaces threonine with arginine at codon 358 of the WT1 protein (p.Thr358Arg). The threonine residue is highly conserved and there is a moderate physicochemical difference between threonine and arginine. This variant is not present in population databases (ExAC no frequency). This variant has not been reported in the literature in individuals with WT1-related conditions. Algorithms developed to predict the effect of missense changes on protein structure and function (SIFT, PolyPhen-2, Align-GVGD) all suggest that this variant is likely to be disruptive, but these predictions have not been confirmed by published functional studies and their clinical significance is uncertain. In summary, the available evidence is currently insufficient to determine the role of this variant in disease. Therefore, it has been classified as a Variant of Uncertain Significance.